The following is an entry in ClinVar:

ClinVar aggregate classification (germline): Uncertain significance (1 of 4 stars; one submission).

Conditions:
Epileptic encephalopathy. Identifiers: MedGen C0543888, HP:0200134.

Allele frequency attached by ClinVar (database versions not stated): gnomAD exomes below 0.00001; ExAC 0.00001; gnomAD 0.00001; TOPMed 0.00001.
gnomAD v4.1: 4 of 1,611,196 alleles (0.00025%); highest among the groups gnomAD compares: South Asian, 0.0011%; no homozygotes.

Submission:

Labcorp Genetics (formerly Invitae), Labcorp
Classification: Uncertain significance for Epileptic encephalopathy. Last evaluated: 2023-08-17. Review status: criteria provided, single submitter. Criteria: Invitae Variant Classification Sherloc (09022015). Collection method: clinical testing. Allele origin: germline.
Comment: Algorithms developed to predict the effect of missense changes on protein structure and function output the following: SIFT: "Not Available"; PolyPhen-2: "Benign"; Align-GVGD: "Not Available". The isoleucine amino acid residue is found in multiple mammalian species, which suggests that this missense change does not adversely affect protein function. In summary, the available evidence is currently insufficient to determine the role of this variant in disease. Therefore, it has been classified as a Variant of Uncertain Significance. ClinVar contains an entry for this variant (Variation ID: 850057). This variant has not been reported in the literature in individuals affected with FASN-related conditions. This variant is not present in population databases (gnomAD no frequency). This sequence change replaces threonine, which is neutral and polar, with isoleucine, which is neutral and non-polar, at codon 545 of the FASN protein (p.Thr545Ile).

NM_004104.5(FASN):c.1634C>T (p.Thr545Ile)

Gene: FASN (fatty acid synthase; minus strand). Cytogenetic location: 17q25.3.
Variant type: single nucleotide variant.
Coding change: c.1634C>T on transcript NM_004104.5 (MANE Select); coding-DNA position 1634, C replaced by T.
Protein change: p.Thr545Ile; replaces threonine 545 with isoleucine.
Molecular consequence: missense variant.
Genome position (GRCh38, 1-based): chr17:82,090,928, G>A on the plus strand (C>T on the coding strand, the complement: FASN is on the minus strand). VCF-style: chr17-82090928-G-A. GRCh37 (hg19) VCF-style: chr17-80048804-G-A.
Other names: short protein forms T545I.
Identifiers: ClinVar variation 850057 (VCV000850057.8), dbSNP rs769329550, ClinGen allele CA8853084.